The following is an entry in ClinVar:

NM_007186.6(CEP250):c.5572C>A (p.His1858Asn)

Gene: CEP250 (centrosomal protein 250; plus strand). Cytogenetic location: 20q11.22.
Variant type: single nucleotide variant.
Coding change: c.5572C>A on transcript NM_007186.6 (MANE Select); coding-DNA position 5572, C replaced by A.
Protein change: p.His1858Asn; replaces histidine 1858 with asparagine.
Molecular consequence: missense variant.
Genome position (GRCh38, 1-based): chr20:35,503,941, C>A. VCF-style: chr20-35503941-C-A. GRCh37 (hg19) VCF-style: chr20-34091769-C-A.
Other names: c.5572C>A (NM_007186.3); c.3676C>A, p.His1226Asn (NM_001318219.1); short protein forms H1226N, H1858N.
Identifiers: ClinVar variation 957569 (VCV000957569.10), dbSNP rs200268845, ClinGen allele CA9833897.

ClinVar aggregate classification (germline): Uncertain significance. Review status: criteria provided, multiple submitters, no conflicts (2 of 4 stars). 2 submissions from 2 submitters: Uncertain significance (2). Last evaluated 2025-08-26.

Allele frequency attached by ClinVar (database versions not stated): gnomAD 0.00008 and 0.00007; TOPMed 0.00008; 1000 Genomes Project 30x 0.00016; 1000 Genomes Project 0.00020; gnomAD exomes below 0.00001 and 0.00001; ExAC 0.00002.
gnomAD v4.1: 15 of 1,613,448 alleles (0.00093%); highest among the groups gnomAD compares: African/African-American, 0.02%; no homozygotes.

Submissions (2):

Ambry Genetics
Classification: Uncertain significance. Last evaluated: 2025-08-26. Review status: criteria provided, single submitter. Criteria: Ambry Variant Classification Scheme 2023. Collection method: clinical testing. Allele origin: germline.

Labcorp Genetics (formerly Invitae), Labcorp
Classification: Uncertain significance. Last evaluated: 2022-11-15. Review status: criteria provided, single submitter. Criteria: Invitae Variant Classification Sherloc (09022015). Collection method: clinical testing. Allele origin: germline.
Comment: In summary, the available evidence is currently insufficient to determine the role of this variant in disease. Therefore, it has been classified as a Variant of Uncertain Significance. Algorithms developed to predict the effect of missense changes on protein structure and function are either unavailable or do not agree on the potential impact of this missense change (SIFT: "Not Available"; PolyPhen-2: "Benign"; Align-GVGD: "Not Available"). ClinVar contains an entry for this variant (Variation ID: 957569). This variant has not been reported in the literature in individuals affected with CEP250-related conditions. This variant is present in population databases (rs200268845, gnomAD 0.02%). This sequence change replaces histidine, which is basic and polar, with asparagine, which is neutral and polar, at codon 1858 of the CEP250 protein (p.His1858Asn).